The following is an entry in ClinVar:

NM_003970.4(MYOM2):c.1308G>C (p.Pro436=)

Gene: MYOM2 (myomesin 2; plus strand). Cytogenetic location: 8p23.3.
Variant type: single nucleotide variant.
Coding change: c.1308G>C on transcript NM_003970.4 (MANE Select); coding-DNA position 1308, G replaced by C.
Protein change: p.Pro436=; no amino-acid change (proline 436 retained).
Molecular consequence: synonymous variant.
Genome position (GRCh38, 1-based): chr8:2,078,779, G>C. VCF-style: chr8-2078779-G-C. GRCh37 (hg19) VCF-style: chr8-2026860-G-C.
Other names: c.1308G>C (NM_003970.3).
Identifiers: ClinVar variation 2658308 (VCV002658308.25), dbSNP rs138301259, ClinGen allele CA170450358.

ClinVar aggregate classification (germline): Likely benign. Review status: criteria provided, single submitter (1 of 4 stars). 2 submissions from 2 submitters: Likely benign (1). 1 of the submissions does not count toward it. Last evaluated 2024-02-01.

Conditions:
MYOM2-related disorder. Also called: MYOM2-related condition.

Allele frequency attached by ClinVar (database versions not stated): 1000 Genomes Project 30x 0.00031; 1000 Genomes Project 0.00040; ESP Exome Variant Server 0.00115.
gnomAD v4.1: 2,888 of 1,614,140 alleles (0.18%); highest among the groups gnomAD compares: South Asian, 0.25%; 7 homozygotes.

Submissions (2):

CeGaT Center for Human Genetics Tuebingen
Classification: Likely benign. Last evaluated: 2024-02-01. Review status: criteria provided, single submitter. Criteria: CeGaT Center For Human Genetics Tuebingen Variant Classification Criteria Version 2. Collection method: clinical testing. Allele origin: germline. Affected: yes. Observed: 1 variant allele.
Comment: MYOM2: BP4, BP7

PreventionGenetics, part of Exact Sciences
Classification: Likely benign for MYOM2-related condition. Last evaluated: 2019-03-05. Review status: no assertion criteria provided. Collection method: clinical testing. Allele origin: germline. Not counted in ClinVar's aggregate classification.
Comment: This variant is classified as likely benign based on ACMG/AMP sequence variant interpretation guidelines (Richards et al. 2015 PMID: 25741868, with internal and published modifications).